The following is an entry in ClinVar:

ClinVar aggregate classification (germline): Uncertain significance (1 of 4 stars; one submission).

Submission:

Labcorp Genetics (formerly Invitae), Labcorp
Classification: Uncertain significance. Last evaluated: 2025-12-25. Review status: criteria provided, single submitter. Criteria: Invitae Variant Classification Sherloc (09022015). Collection method: clinical testing. Allele origin: germline.
Comment: This sequence change replaces leucine, which is neutral and non-polar, with proline, which is neutral and non-polar, at codon 459 of the BRPF1 protein (p.Leu459Pro). This variant is not present in population databases (gnomAD no frequency). This variant has not been reported in the literature in individuals affected with BRPF1-related conditions. Invitae Evidence Modeling of protein sequence and biophysical properties (such as structural, functional, and spatial information, amino acid conservation, physicochemical variation, residue mobility, and thermodynamic stability) indicates that this missense variant is not expected to disrupt BRPF1 protein function with a negative predictive value of 80%. In summary, the available evidence is currently insufficient to determine the role of this variant in disease. Therefore, it has been classified as a Variant of Uncertain Significance.

NM_001003694.2(BRPF1):c.1376T>C (p.Leu459Pro)

Gene: BRPF1 (bromodomain and PHD finger containing 1; plus strand). Cytogenetic location: 3p25.3.
Variant type: single nucleotide variant.
Coding change: c.1376T>C on transcript NM_001003694.2 (MANE Select); coding-DNA position 1376, T replaced by C.
Protein change: p.Leu459Pro; replaces leucine 459 with proline.
Molecular consequence: missense variant. On other transcripts: non-coding transcript variant (1).
Genome position (GRCh38, 1-based): chr3:9,739,775, T>C. VCF-style: chr3-9739775-T-C. GRCh37 (hg19) VCF-style: chr3-9781459-T-C.
Other names: c.1376T>C, p.Leu459Pro (NM_001319049.2, NM_001319050.2, NM_001410704.1 and 7 more transcripts); short protein forms L459P.
Identifiers: ClinVar variation 4742100 (VCV004742100.1).